The following is an entry in ClinVar:

ClinVar aggregate classification (germline): Uncertain significance (1 of 4 stars; one submission).

Allele frequency attached by ClinVar (database versions not stated): TOPMed below 0.00001; ExAC 0.00002.

Submission:

Labcorp Genetics (formerly Invitae), Labcorp
Classification: Uncertain significance. Last evaluated: 2023-07-03. Review status: criteria provided, single submitter. Criteria: Invitae Variant Classification Sherloc (09022015). Collection method: clinical testing. Allele origin: germline.
Comment: This sequence change replaces glycine, which is neutral and non-polar, with arginine, which is basic and polar, at codon 1377 of the RAI1 protein (p.Gly1377Arg). This variant is present in population databases (rs767828696, gnomAD 0.02%). This variant has not been reported in the literature in individuals affected with RAI1-related conditions. Advanced modeling of protein sequence and biophysical properties (such as structural, functional, and spatial information, amino acid conservation, physicochemical variation, residue mobility, and thermodynamic stability) performed at Invitae indicates that this missense variant is not expected to disrupt RAI1 protein function. In summary, the available evidence is currently insufficient to determine the role of this variant in disease. Therefore, it has been classified as a Variant of Uncertain Significance.

NM_030665.4(RAI1):c.4129G>C (p.Gly1377Arg)

Gene: RAI1 (retinoic acid induced 1; plus strand). Cytogenetic location: 17p11.2.
Variant type: single nucleotide variant.
Coding change: c.4129G>C on transcript NM_030665.4 (MANE Select); coding-DNA position 4129, G replaced by C.
Protein change: p.Gly1377Arg; replaces glycine 1377 with arginine.
Molecular consequence: missense variant.
Genome position (GRCh38, 1-based): chr17:17,797,077, G>C. VCF-style: chr17-17797077-G-C. GRCh37 (hg19) VCF-style: chr17-17700391-G-C.
Other names: short protein forms G1377R.
Identifiers: ClinVar variation 3009442 (VCV003009442.3), dbSNP rs767828696, ClinGen allele CA8418895.
Genomic context (GRCh38, chr17:17,797,077, plus strand): 5'-CTGAGCCCATCCCTTTCCGACAAAGACCGTGGGCTCAAGGGTGCTGGGGGCAGCCCAGTG[G>C]GGGTGGAAGAAGGCCTGGTAAATGTGGGCACCGGGCAGAAGCTCCCAACTTCTGGGGCTG-3'
Protein context (NP_109590.3, residues 1367-1387): GLKGAGGSPV[Gly1377Arg]VEEGLVNVGT